The following is an entry in ClinVar:

NM_007118.4(TRIO):c.817G>T (p.Glu273Ter)

Gene: TRIO (trio Rho guanine nucleotide exchange factor; plus strand). Cytogenetic location: 5p15.2.
Variant type: single nucleotide variant.
Coding change: c.817G>T on transcript NM_007118.4 (MANE Select); coding-DNA position 817, G replaced by T.
Protein change: p.Glu273Ter; replaces glutamic acid 273 with a stop codon.
Molecular consequence: nonsense. On other transcripts: non-coding transcript variant (1).
Genome position (GRCh38, 1-based): chr5:14,290,992, G>T. VCF-style: chr5-14290992-G-T. GRCh37 (hg19) VCF-style: chr5-14291101-G-T.
Other names: short protein forms E273*.
Identifiers: ClinVar variation 4191227 (VCV004191227.1).

ClinVar aggregate classification (germline): Pathogenic (1 of 4 stars; one submission).

Conditions:
Inborn genetic diseases. Identifiers: MedGen C0950123, MeSH D030342.

Submission:

Ambry Genetics
Classification: Pathogenic for Inborn genetic diseases. Last evaluated: 2025-09-04. Review status: criteria provided, single submitter. Criteria: Ambry Variant Classification Scheme 2023. Collection method: clinical testing. Allele origin: germline.
Comment: The c.817G>T (p.E273*) alteration, located in exon 5 (coding exon 5) of the TRIO gene, consists of a G to T substitution at nucleotide position 817. This changes the amino acid from a glutamic acid (E) to a stop codon at amino acid position 273. This alteration is expected to result in loss of function by premature protein truncation or nonsense-mediated mRNA decay. for TRIO-related neurodevelopmental disorder with microcephaly; however, it is unlikely to be causative of TRIO-related neurodevelopmental disorder with macrocephaly. This variant was not reported in population-based cohorts in the Genome Aggregation Database (gnomAD). Based on the available evidence, this alteration is classified as pathogenic.